The following is an entry in ClinVar:

NM_001127208.3(TET2):c.3499A>G (p.Arg1167Gly)

Genes: TET2 (tet methylcytosine dioxygenase 2; plus strand), TET2-AS1 (TET2 antisense RNA 1; minus strand). Cytogenetic location: 4q24.
Variant type: single nucleotide variant.
Coding change: c.3499A>G on transcript NM_001127208.3 (MANE Select); coding-DNA position 3499, A replaced by G.
Protein change: p.Arg1167Gly; replaces arginine 1167 with glycine.
Molecular consequence: missense variant. On other transcripts: 3 prime UTR variant (1).
Genome position (GRCh38, 1-based): chr4:105,241,428, A>G. VCF-style: chr4-105241428-A-G. GRCh37 (hg19) VCF-style: chr4-106162585-A-G.
Other names: c.*3988A>G (NM_017628.4); short protein forms R1167G.
Identifiers: ClinVar variation 3643016 (VCV003643016.2).

ClinVar aggregate classification (germline): Uncertain significance (1 of 4 stars; one submission).

gnomAD v4.1: 4 of 1,549,660 alleles (0.00026%); highest among the groups gnomAD compares: Admixed American, 0.002%; no homozygotes.

Submission:

Labcorp Genetics (formerly Invitae), Labcorp
Classification: Uncertain significance. Last evaluated: 2024-02-24. Review status: criteria provided, single submitter. Criteria: Invitae Variant Classification Sherloc (09022015). Collection method: clinical testing. Allele origin: germline.
Comment: This sequence change replaces arginine, which is basic and polar, with glycine, which is neutral and non-polar, at codon 1167 of the TET2 protein (p.Arg1167Gly). The frequency data for this variant in the population databases is considered unreliable, as metrics indicate poor data quality at this position in the gnomAD database. This variant has not been reported in the literature in individuals affected with TET2-related conditions. An algorithm developed to predict the effect of missense changes on protein structure and function (PolyPhen-2) suggests that this variant is likely to be disruptive. Algorithms developed to predict the effect of sequence changes on RNA splicing suggest that this variant may disrupt the consensus splice site. In summary, the available evidence is currently insufficient to determine the role of this variant in disease. Therefore, it has been classified as a Variant of Uncertain Significance.